The following is an entry in ClinVar:

ClinVar aggregate classification (germline): Uncertain significance (1 of 4 stars; one submission).

Conditions:
SEMA3A-related disorder. Also called: SEMA3A-related condition.

gnomAD v4.1: 1 of 1,579,428 alleles (0.000063%); highest among the groups gnomAD compares: Admixed American, 0.0017%; no homozygotes.

Submission:

PreventionGenetics, part of Exact Sciences
Classification: Uncertain significance for SEMA3A-related condition. Last evaluated: 2026-04-28. Review status: criteria provided, single submitter. Criteria: ACMG Guidelines, 2015. Collection method: clinical testing. Allele origin: germline.
Comment: The SEMA3A c.1706A>G variant is predicted to result in the amino acid substitution p.Asp569Gly. To our knowledge, this variant has not been reported in the literature. This variant is reported in 0.0032% of alleles in individuals of Latino descent in gnomAD. At this time, the clinical significance of this variant is uncertain due to the absence of conclusive functional and genetic evidence.

NM_006080.3(SEMA3A):c.1706A>G (p.Asp569Gly)

Gene: SEMA3A (semaphorin 3A; minus strand). Cytogenetic location: 7q21.11.
Variant type: single nucleotide variant.
Coding change: c.1706A>G on transcript NM_006080.3 (MANE Select); coding-DNA position 1706, A replaced by G.
Protein change: p.Asp569Gly; replaces aspartic acid 569 with glycine.
Molecular consequence: missense variant.
Genome position (GRCh38, 1-based): chr7:83,977,143, T>C on the plus strand (A>G on the coding strand, the complement: SEMA3A is on the minus strand). VCF-style: chr7-83977143-T-C. GRCh37 (hg19) VCF-style: chr7-83606459-T-C.
Other names: short protein forms D569G.
Identifiers: ClinVar variation 4999678 (VCV004999678.1).
Genomic context (GRCh38, chr7:83,977,143, plus strand): 5'-TGATTTTAGCCTGGTCTTAGCAGGTTGAAAGATGAAAAATGTGACTTACCATGGTGTAAG[T>C]CTGAACAGTGAGTCAGTGGGTCTCCATTTCTTATATCTTGTCGTCTTGTGCGTCTGAAGC-3'
Protein context (NP_006071.1, residues 559-579): RNGDPLTHCS[Asp569Gly]LHHDNHHGHS